The following is an entry in ClinVar:

ClinVar aggregate classification (germline): Uncertain significance (1 of 4 stars; one submission).

Conditions:
Hereditary cancer-predisposing syndrome. Also called: Neoplastic Syndromes, Hereditary; Tumor predisposition; Hereditary Cancer Syndrome; Hereditary neoplastic syndrome. Identifiers: Orphanet 140162, MedGen C0027672, MeSH D009386, MONDO:0015356.

Submission:

Ambry Genetics
Classification: Uncertain significance for Hereditary cancer-predisposing syndrome. Last evaluated: 2014-10-17. Review status: criteria provided, single submitter. Criteria: Ambry Variant Classification Scheme 2023. Collection method: clinical testing. Allele origin: germline.
Comment: The p.K327E variant (also known as c.979A>G), located in coding exon 9 of the APC gene, results from an A to G substitution at nucleotide position 979. The lysine at codon 327 is replaced by glutamic acid, an amino acid with similar properties. This variant was not reported in population based cohorts in the following databases: Database of Single Nucleotide Polymorphisms (dbSNP), NHLBI Exome Sequencing Project (ESP), and 1000 Genomes Project. In the ESP, this variant was not observed in 6502 samples (13004 alleles) with coverage at this position. To date, this alteration has been detected with an allele frequency of approximately 0.01% (greater than 13000 alleles tested) in our clinical cohort. This amino acid position is highly conserved in available vertebrate species. In addition, this alteration is predicted to be possibly damaging and deleterious by PolyPhen and SIFT in silico analyses, respectively. Since supporting evidence is limited at this time, the clinical significance of p.K327E remains unclear.

NM_000038.6(APC):c.979A>G (p.Lys327Glu)

Gene: APC (APC regulator of Wnt signaling pathway; plus strand). Cytogenetic location: 5q22.2.
Variant type: single nucleotide variant.
Coding change: c.979A>G on transcript NM_000038.6 (MANE Select); coding-DNA position 979, A replaced by G.
Protein change: p.Lys327Glu; replaces lysine 327 with glutamic acid.
Molecular consequence: missense variant. On other transcripts: intron variant (4).
Genome position (GRCh38, 1-based): chr5:112,819,011, A>G. VCF-style: chr5-112819011-A-G. GRCh37 (hg19) VCF-style: chr5-112154708-A-G.
Other names: c.979A>G, p.Lys327Glu (NM_001127510.3, NM_001354895.2, NM_001354896.2); c.925A>G, p.Lys309Glu (NM_001127511.3); c.1009A>G, p.Lys337Glu (NM_001354897.2); c.904A>G, p.Lys302Glu (NM_001354898.2); c.895A>G, p.Lys299Glu (NM_001354899.2); c.802A>G, p.Lys268Glu (NM_001354900.2, NM_001354901.2); c.130A>G, p.Lys44Glu (NM_001354906.2); c.964-258A>G (NM_001354902.2); and 3 more; short protein forms K309E, K327E, K299E, K268E, K302E, K337E, K44E.
Identifiers: ClinVar variation 186754 (VCV000186754.5), dbSNP rs786203194, ClinGen allele CA016021.
Genomic context (GRCh38, chr5:112,819,011, plus strand): 5'-TCATTTGGCCCACAGGTGGAAATGGTGTATTCATTGTTGTCAATGCTTGGTACTCATGAT[A>G]AGGATGATATGTCGCGAACTTTGCTAGCTATGTCTAGCTCCCAAGACAGCTGTATATCCA-3'
Protein context (NP_000029.2, residues 317-337): SLLSMLGTHD[Lys327Glu]DDMSRTLLAM